The following is an entry in ClinVar:

ClinVar aggregate classification (germline): Uncertain significance. Review status: criteria provided, multiple submitters, no conflicts (2 of 4 stars). 2 submissions from 2 submitters: Uncertain significance (2). Last evaluated 2024-07-30.

Conditions:
Inborn genetic diseases. Identifiers: MedGen C0950123, MeSH D030342.
Mitochondrial complex V (ATP synthase) deficiency, nuclear type 2. Also called: Nuclear-Encoded ATPase Deficiency, TMEM70-Related; MITOCHONDRIAL COMPLEX V (ATP SYNTHASE) DEFICIENCY, TMEM70 TYPE; ENCEPHALOCARDIOMYOPATHY, MITOCHONDRIAL, NEONATAL, DUE TO ATP SYNTHASE DEFICIENCY. Identifiers: Orphanet 1194, MedGen C3279699, MONDO:0013546, OMIM 614052.

gnomAD v4.1: 4 of 1,568,444 alleles (0.00026%); highest among the groups gnomAD compares: African/African-American, 0.0013%; no homozygotes.

Submissions (2):

Ambry Genetics
Classification: Uncertain significance for Inborn genetic diseases. Last evaluated: 2024-07-30. Review status: criteria provided, single submitter. Criteria: Ambry Variant Classification Scheme 2023. Collection method: clinical testing. Allele origin: germline.

Labcorp Genetics (formerly Invitae), Labcorp
Classification: Uncertain significance for Mitochondrial complex V (ATP synthase) deficiency, nuclear type 2. Last evaluated: 2021-12-03. Review status: criteria provided, single submitter. Criteria: Invitae Variant Classification Sherloc (09022015). Collection method: clinical testing. Allele origin: germline.
Comment: In summary, the available evidence is currently insufficient to determine the role of this variant in disease. Therefore, it has been classified as a Variant of Uncertain Significance. Algorithms developed to predict the effect of missense changes on protein structure and function (SIFT, PolyPhen-2, Align-GVGD) all suggest that this variant is likely to be tolerated. This variant has not been reported in the literature in individuals affected with TMEM70-related conditions. This variant is not present in population databases (gnomAD no frequency). This sequence change replaces serine, which is neutral and polar, with threonine, which is neutral and polar, at codon 53 of the TMEM70 protein (p.Ser53Thr).

NM_017866.6(TMEM70):c.158G>C (p.Ser53Thr)

Gene: TMEM70 (transmembrane protein 70; plus strand). Cytogenetic location: 8q21.11.
Variant type: single nucleotide variant.
Coding change: c.158G>C on transcript NM_017866.6 (MANE Select); coding-DNA position 158, G replaced by C.
Protein change: p.Ser53Thr; replaces serine 53 with threonine.
Molecular consequence: missense variant. On other transcripts: non-coding transcript variant (1).
Genome position (GRCh38, 1-based): chr8:73,976,439, G>C. VCF-style: chr8-73976439-G-C. GRCh37 (hg19) VCF-style: chr8-74888674-G-C.
Other names: c.158G>C, p.Ser53Thr (NM_001040613.3); c.158G>C (NM_017866.5); short protein forms S53T.
Identifiers: ClinVar variation 1390018 (VCV001390018.7), dbSNP rs1815650246, ClinGen allele CA371489371.